The following is an entry in ClinVar:

ClinVar aggregate classification (germline): Uncertain significance (1 of 4 stars; one submission).

Conditions:
Breast-ovarian cancer, familial, susceptibility to, 5 (BROVCA5). Identifiers: MedGen C5830615, MONDO:0957530, OMIM 620442.
Hereditary cancer-predisposing syndrome. Also called: Tumor predisposition; Neoplastic Syndromes, Hereditary; Hereditary neoplastic syndrome; Hereditary Cancer Syndrome. Identifiers: Orphanet 140162, MedGen C0027672, MeSH D009386, MONDO:0015356.
Pancreatic cancer, susceptibility to, 3. Identifiers: Orphanet 1333, MedGen C3150547, MONDO:0013236, OMIM 613348.
Fanconi anemia complementation group N. Also called: PALB2-Related Fanconi Anemia. Identifiers: Orphanet 84, MedGen C1835817, MONDO:0012565, OMIM 610832. Disease mechanism: loss of function.

Submission:

Otogenetics
Classification: Uncertain significance for Breast-ovarian cancer, familial, susceptibility to, 5; Hereditary cancer-predisposing syndrome; Pancreatic cancer, susceptibility to, 3; Fanconi anemia complementation group N. Last evaluated: 2026-03-12. Review status: criteria provided, single submitter. Criteria: ACMG Guidelines, 2015. Collection method: clinical testing. Allele origin: germline.
Comment: PM2: Variant not observed in gnomAD (<0.175% threshold); BP4: In-silico models predict benign effect (Revel = 0.06, BayesDel = -0.5)

NM_024675.4(PALB2):c.1379A>T (p.Gln460Leu)

Gene: PALB2 (partner and localizer of BRCA2; minus strand). Cytogenetic location: 16p12.2.
Variant type: single nucleotide variant.
Coding change: c.1379A>T on transcript NM_024675.4 (MANE Select); coding-DNA position 1379, A replaced by T.
Protein change: p.Gln460Leu; replaces glutamine 460 with leucine.
Molecular consequence: missense variant. On other transcripts: intron variant (3).
Genome position (GRCh38, 1-based): chr16:23,635,167, T>A on the plus strand (A>T on the coding strand, the complement: PALB2 is on the minus strand). VCF-style: chr16-23635167-T-A. GRCh37 (hg19) VCF-style: chr16-23646488-T-A.
Other names: c.1319A>T, p.Gln440Leu (NM_001407296.1); c.1379A>T, p.Gln460Leu (NM_001407297.1, NM_001407298.1, NM_001407299.1 and 3 more transcripts); c.494A>T, p.Gln165Leu (NM_001407304.1, NM_001407305.1, NM_001407306.1 and 5 more transcripts); c.49-5892A>T (NM_001407314.1); c.-104-4698A>T (NM_001407313.1, NM_001407312.1); short protein forms Q165L, Q440L, Q460L.
Identifiers: ClinVar variation 4819683 (VCV004819683.1).